The following is an entry in ClinVar:

ClinVar aggregate classification (germline): Uncertain significance (1 of 4 stars; one submission).

Submission:

Labcorp Genetics (formerly Invitae), Labcorp
Classification: Uncertain significance. Last evaluated: 2021-10-14. Review status: criteria provided, single submitter. Criteria: Invitae Variant Classification Sherloc (09022015). Collection method: clinical testing. Allele origin: germline.
Comment: This sequence change replaces histidine with tyrosine at codon 16 of the MMP13 protein (p.His16Tyr). The histidine residue is weakly conserved and there is a moderate physicochemical difference between histidine and tyrosine. This variant is not present in population databases (ExAC no frequency). This variant has not been reported in the literature in individuals affected with MMP13-related conditions. Algorithms developed to predict the effect of missense changes on protein structure and function output the following: SIFT: "Tolerated"; PolyPhen-2: "Benign"; Align-GVGD: "Class C0". The tyrosine amino acid residue is found in multiple mammalian species, which suggests that this missense change does not adversely affect protein function. In summary, the available evidence is currently insufficient to determine the role of this variant in disease. Therefore, it has been classified as a Variant of Uncertain Significance.

NM_002427.4(MMP13):c.46C>T (p.His16Tyr)

Genes: MMP13 (matrix metallopeptidase 13; minus strand), LOC126861318 (BRD4-independent group 4 enhancer GRCh37_chr11:102825894-102827093; plus strand). Cytogenetic location: 11q22.2.
Variant type: single nucleotide variant.
Coding change: c.46C>T on transcript NM_002427.4 (MANE Select); coding-DNA position 46, C replaced by T.
Protein change: p.His16Tyr; replaces histidine 16 with tyrosine.
Molecular consequence: missense variant.
Genome position (GRCh38, 1-based): chr11:102,955,660, G>A on the plus strand (C>T on the coding strand, the complement: MMP13 is on the minus strand). VCF-style: chr11-102955660-G-A. GRCh37 (hg19) VCF-style: chr11-102826389-G-A.
Other names: short protein forms H16Y.
Identifiers: ClinVar variation 1525597 (VCV001525597.6), dbSNP rs1860687891, ClinGen allele CA382233771.